The following is an entry in ClinVar:

ClinVar aggregate classification (germline): Benign/Likely benign. Review status: criteria provided, multiple submitters, no conflicts (2 of 4 stars). 4 submissions from 4 submitters: Benign (1); Likely benign (3). Last evaluated 2025-08-22.

Conditions:
Hereditary cancer-predisposing syndrome. Also called: Neoplastic Syndromes, Hereditary; Tumor predisposition; Hereditary Cancer Syndrome; Hereditary neoplastic syndrome. Identifiers: Orphanet 140162, MedGen C0027672, MeSH D009386, MONDO:0015356.
Familial adenomatous polyposis 1 (FAP1). Also called: FAMILIAL ADENOMATOUS POLYPOSIS 1, ATTENUATED; POLYPOSIS, ADENOMATOUS INTESTINAL. Identifiers: MedGen C2713442, MONDO:0021056, OMIM 175100. Disease mechanism: loss of function.

Allele frequency attached by ClinVar (database versions not stated): gnomAD exomes below 0.00001.
gnomAD v4.1: 1 of 1,604,290 alleles (0.000062%); highest among the groups gnomAD compares: African/African-American, 0.0013%; no homozygotes.

Submissions (4):

Mayo Clinic Laboratories, Mayo Clinic
Classification: Likely benign. Last evaluated: 2025-08-22. Review status: criteria provided, single submitter. Criteria: ACMG Guidelines, 2015. Collection method: clinical testing. Allele origin: germline. Observed: 1 variant allele.
Comment: BP4, BP7

Labcorp Genetics (formerly Invitae), Labcorp
Classification: Likely benign for Familial adenomatous polyposis 1. Last evaluated: 2024-06-04. Review status: criteria provided, single submitter. Criteria: Invitae Variant Classification Sherloc (09022015). Collection method: clinical testing. Allele origin: germline.

Myriad Genetics, Inc.
Classification: Benign for Familial adenomatous polyposis 1. Last evaluated: 2024-04-16. Review status: criteria provided, single submitter. Criteria: Myriad Autosomal Dominant, Autosomal Recessive and X-Linked Classification Criteria (2023). Collection method: clinical testing. Allele origin: unknown.
Comment: This variant is considered benign. This variant is a silent/synonymous amino acid change and it is not expected to impact splicing.

Ambry Genetics
Classification: Likely benign for Hereditary cancer-predisposing syndrome. Last evaluated: 2021-11-08. Review status: criteria provided, single submitter. Criteria: Ambry Variant Classification Scheme 2023. Collection method: clinical testing. Allele origin: germline.

NM_000038.6(APC):c.8463C>T (p.Asp2821=)

Gene: APC (APC regulator of Wnt signaling pathway; plus strand). Cytogenetic location: 5q22.2.
Variant type: single nucleotide variant.
Coding change: c.8463C>T on transcript NM_000038.6 (MANE Select); coding-DNA position 8463, C replaced by T.
Protein change: p.Asp2821=; no amino-acid change (aspartic acid 2821 retained).
Molecular consequence: synonymous variant. On other transcripts: non-coding transcript variant (2).
Genome position (GRCh38, 1-based): chr5:112,844,057, C>T. VCF-style: chr5-112844057-C-T. GRCh37 (hg19) VCF-style: chr5-112179754-C-T.
Other names: p.Asp2821=; c.8463C>T, p.Asp2821= (NM_001127510.3, NM_001354895.2, NM_001407450.1); c.8409C>T, p.Asp2803= (NM_001127511.3); c.8517C>T, p.Asp2839= (NM_001354896.2, NM_001407447.1, NM_001407448.1 and 1 more transcripts); c.8493C>T, p.Asp2831= (NM_001354897.2); c.8388C>T, p.Asp2796= (NM_001354898.2); c.8379C>T, p.Asp2793= (NM_001354899.2); c.8340C>T, p.Asp2780= (NM_001354900.2); and 12 more.
Identifiers: ClinVar variation 1763470 (VCV001763470.6), dbSNP rs2150005832, ClinGen allele CA446211419.